The following is an entry in ClinVar:

NM_012268.4(PLD3):c.1426C>T (p.Leu476Phe)

Gene: PLD3 (phospholipase D family member 3; plus strand). Cytogenetic location: 19q13.2.
Variant type: single nucleotide variant.
Coding change: c.1426C>T on transcript NM_012268.4 (MANE Select); coding-DNA position 1426, C replaced by T.
Protein change: p.Leu476Phe; replaces leucine 476 with phenylalanine.
Molecular consequence: missense variant.
Genome position (GRCh38, 1-based): chr19:40,378,126, C>T. VCF-style: chr19-40378126-C-T. GRCh37 (hg19) VCF-style: chr19-40884033-C-T.
Other names: c.1426C>T, p.Leu476Phe (NM_001031696.4, NM_001291311.2); short protein forms L476F.
Identifiers: ClinVar variation 3006747 (VCV003006747.3), dbSNP rs952273849, ClinGen allele CA308397528.

ClinVar aggregate classification (germline): Uncertain significance (1 of 4 stars; one submission).

Allele frequency attached by ClinVar (database versions not stated): TOPMed below 0.00001; gnomAD 0.00001; gnomAD exomes 0.00001.
gnomAD v4.1: 9 of 1,613,618 alleles (0.00056%); highest among the groups gnomAD compares: East Asian, 0.0022%; no homozygotes.

Submission:

Labcorp Genetics (formerly Invitae), Labcorp
Classification: Uncertain significance. Last evaluated: 2023-07-25. Review status: criteria provided, single submitter. Criteria: Invitae Variant Classification Sherloc (09022015). Collection method: clinical testing. Allele origin: germline.
Comment: An algorithm developed to predict the effect of missense changes on protein structure and function (PolyPhen-2) suggests that this variant is likely to be tolerated. In summary, the available evidence is currently insufficient to determine the role of this variant in disease. Therefore, it has been classified as a Variant of Uncertain Significance. This variant has not been reported in the literature in individuals affected with PLD3-related conditions. This sequence change replaces leucine, which is neutral and non-polar, with phenylalanine, which is neutral and non-polar, at codon 476 of the PLD3 protein (p.Leu476Phe). This variant is present in population databases (no rsID available, gnomAD 0.006%).